The following is an entry in ClinVar:

ClinVar aggregate classification (germline): Conflicting classifications of pathogenicity. Review status: criteria provided, conflicting classifications (1 of 4 stars). 2 submissions from 2 submitters: Uncertain significance (1); Likely benign (1). Last evaluated 2024-10-22.

Conditions:
Developmental and epileptic encephalopathy, 14 (DEE14). Also called: Early infantile epileptic encephalopathy 14. Identifiers: Orphanet 293181, MedGen C3554195, MONDO:0013989, OMIM 614959.
Autosomal dominant nocturnal frontal lobe epilepsy 5. Also called: KCNT1-Related Epilepsy; CILIARY DYSKINESIA, PRIMARY, 28, WITHOUT SITUS INVERSUS; CILIARY DYSKINESIA, PRIMARY, 28, WITH SITUS INVERSUS; Epilepsy, nocturnal frontal lobe, 5. Identifiers: Orphanet 98784, MedGen C3554306, MONDO:0014002, OMIM 615005.

Allele frequency attached by ClinVar (database versions not stated): gnomAD 0.00001; TOPMed 0.00001.
gnomAD v4.1: 4 of 1,603,886 alleles (0.00025%); highest among the groups gnomAD compares: Non-Finnish European, 0.00034%; no homozygotes.

Submissions (2):

Labcorp Genetics (formerly Invitae), Labcorp
Classification: Likely benign for Autosomal dominant nocturnal frontal lobe epilepsy 5; Developmental and epileptic encephalopathy, 14. Last evaluated: 2024-10-22. Review status: criteria provided, single submitter. Criteria: Invitae Variant Classification Sherloc (09022015). Collection method: clinical testing. Allele origin: germline.

GeneDx
Classification: Uncertain significance. Last evaluated: 2022-05-25. Review status: criteria provided, single submitter. Criteria: GeneDx Variant Classification Process June 2021. Collection method: clinical testing. Allele origin: germline. Affected: yes.
Comment: Not observed at significant frequency in large population cohorts (gnomAD); In silico analysis, which includes protein predictors and evolutionary conservation, supports that this variant does not alter protein structure/function; Has not been previously published as pathogenic or benign to our knowledge

NM_020822.3(KCNT1):c.2244G>C (p.Glu748Asp)

Gene: KCNT1 (potassium sodium-activated channel subfamily T member 1; plus strand). Cytogenetic location: 9q34.3.
Variant type: single nucleotide variant.
Coding change: c.2244G>C on transcript NM_020822.3 (MANE Select); coding-DNA position 2244, G replaced by C.
Protein change: p.Glu748Asp; replaces glutamic acid 748 with aspartic acid.
Molecular consequence: missense variant.
Genome position (GRCh38, 1-based): chr9:135,775,310, G>C. VCF-style: chr9-135775310-G-C. GRCh37 (hg19) VCF-style: chr9-138667156-G-C.
Other names: c.2109G>C, p.Glu703Asp (NM_001272003.2); short protein forms E748D, E703D.
Identifiers: ClinVar variation 450957 (VCV000450957.13), dbSNP rs1333549995, ClinGen allele CA375512093.